The following is an entry in ClinVar:

ClinVar aggregate classification (germline): Conflicting classifications of pathogenicity. Review status: criteria provided, conflicting classifications (1 of 4 stars). 12 submissions from 12 submitters: Uncertain significance (1); Benign (1); Likely benign (7). 3 of the submissions do not count toward it. Last evaluated 2026-01-21.

Conditions:
Inborn genetic diseases. Identifiers: MedGen C0950123, MeSH D030342.
IGHMBP2-related disorder. Also called: IGHMBP2-related disorders; IGHMBP2-related condition.
Autosomal recessive distal spinal muscular atrophy 1. Also called: HMN VI; NEURONOPATHY, SEVERE INFANTILE AXONAL, WITH RESPIRATORY FAILURE; SEVERE INFANTILE AXONAL NEUROPATHY WITH RESPIRATORY FAILURE; SPINAL MUSCULAR ATROPHY, DIAPHRAGMATIC; NEURONOPATHY, DISTAL HEREDITARY MOTOR, HARDING TYPE VI; NEUROPATHY, DISTAL HEREDITARY MOTOR, AUTOSOMAL RECESSIVE 1. Identifiers: Orphanet 98920, MedGen C1858517, MONDO:0011436, OMIM 604320.
Charcot-Marie-Tooth disease axonal type 2S. Also called: CHARCOT-MARIE-TOOTH DISEASE, AXONAL, AUTOSOMAL RECESSIVE, TYPE 2S; CHARCOT-MARIE-TOOTH NEUROPATHY, TYPE 2S. Identifiers: Orphanet 443073, MedGen C4015349, MONDO:0014511, OMIM 616155.
Charcot-Marie-Tooth disease. Also called: Charcot-Marie-Tooth Neuropathy; Charcot-Marie-Tooth Hereditary Neuropathy. Identifiers: Orphanet 166, MedGen C0007959, MONDO:0015626.

Allele frequency attached by ClinVar (database versions not stated): TOPMed 0.00059; gnomAD 0.00060 and 0.00061; gnomAD exomes 0.00064 and 0.00094; ExAC 0.00070; ESP Exome Variant Server 0.00085.
gnomAD v4.1: 1,449 of 1,613,076 alleles (0.09%); highest among the groups gnomAD compares: Non-Finnish European, 0.11%; 2 homozygotes.

Submissions (12):

Labcorp Genetics (formerly Invitae), Labcorp
Classification: Likely benign for Autosomal recessive distal spinal muscular atrophy 1; Charcot-Marie-Tooth disease axonal type 2S. Last evaluated: 2026-01-21. Review status: criteria provided, single submitter. Criteria: Invitae Variant Classification Sherloc (09022015). Collection method: clinical testing. Allele origin: germline.

CeGaT Center for Human Genetics Tuebingen
Classification: Likely benign. Last evaluated: 2025-12-01. Review status: criteria provided, single submitter. Criteria: CeGaT Center For Human Genetics Tuebingen Variant Classification Criteria Version 2. Collection method: clinical testing. Allele origin: germline. Affected: yes. Observed: 4 variant alleles.
Comment: IGHMBP2: BP4, BP7

PreventionGenetics, part of Exact Sciences
Classification: Likely benign for IGHMBP2-related condition. Last evaluated: 2025-07-03. Review status: criteria provided, single submitter. Criteria: ACMG Guidelines, 2015. Collection method: clinical testing. Allele origin: germline.
Comment: This variant is classified as likely benign based on ACMG/AMP sequence variant interpretation guidelines (Richards et al. 2015 PMID: 25741868, with internal and published modifications).

Mayo Clinic Laboratories, Mayo Clinic
Classification: Likely benign. Last evaluated: 2025-03-19. Review status: criteria provided, single submitter. Criteria: ACMG Guidelines, 2015. Collection method: clinical testing. Allele origin: germline. Observed: 5 variant alleles.
Comment: BS1, BP4, BP7

ARUP Laboratories, Molecular Genetics and Genomics, ARUP Laboratories
Classification: Likely benign. Last evaluated: 2021-10-23. Review status: criteria provided, single submitter. Criteria: ARUP Molecular Germline Variant Investigation Process 2021. Collection method: clinical testing. Allele origin: germline.

Ambry Genetics
Classification: Likely benign for Inborn genetic diseases. Last evaluated: 2019-07-11. Review status: criteria provided, single submitter. Criteria: Ambry Variant Classification Scheme 2023. Collection method: clinical testing. Allele origin: germline.

Illumina Laboratory Services, Illumina
Classification: Uncertain significance for Autosomal recessive distal spinal muscular atrophy 1. Last evaluated: 2018-01-12. Review status: criteria provided, single submitter. Criteria: ICSL Variant Classification Criteria 13 December 2019. Collection method: clinical testing. Allele origin: germline.

GeneDx
Classification: Benign. Last evaluated: 2015-03-03. Review status: criteria provided, single submitter. Criteria: GeneDx Variant Classification Process June 2021. Collection method: clinical testing. Allele origin: germline. Affected: yes.

Molecular Genetics Laboratory, London Health Sciences Centre
Classification: Likely benign for Charcot-Marie-Tooth disease. Review status: criteria provided, single submitter. Criteria: ACMG Guidelines, 2015. Collection method: clinical testing. Allele origin: germline. Affected: yes.

Clinical Genetics, Academic Medical Center
Classification: Likely benign. Review status: no assertion criteria provided. Collection method: clinical testing. Allele origin: germline. Affected: yes. Study: VKGL Data-share Consensus. Not counted in ClinVar's aggregate classification.

Genome Diagnostics Laboratory, University Medical Center Utrecht
Classification: Likely benign. Review status: no assertion criteria provided. Collection method: clinical testing. Allele origin: germline. Affected: yes. Study: VKGL Data-share Consensus. Not counted in ClinVar's aggregate classification.

Joint Genome Diagnostic Labs from Nijmegen and Maastricht, Radboudumc and MUMC+
Classification: Likely benign. Review status: no assertion criteria provided. Collection method: clinical testing. Allele origin: germline. Affected: yes. Study: VKGL Data-share Consensus. Not counted in ClinVar's aggregate classification.

NM_002180.3(IGHMBP2):c.1290C>T (p.Tyr430=)

Gene: IGHMBP2 (immunoglobulin mu DNA binding protein 2; plus strand). Cytogenetic location: 11q13.3.
Variant type: single nucleotide variant.
Coding change: c.1290C>T on transcript NM_002180.3 (MANE Select); coding-DNA position 1290, C replaced by T.
Protein change: p.Tyr430=; no amino-acid change (tyrosine 430 retained).
Molecular consequence: synonymous variant.
Genome position (GRCh38, 1-based): chr11:68,933,353, C>T. VCF-style: chr11-68933353-C-T. GRCh37 (hg19) VCF-style: chr11-68700821-C-T.
Other names: p.Tyr430=.
Identifiers: ClinVar variation 305844 (VCV000305844.65), dbSNP rs140654955, ClinGen allele CA6153592.